The following is an entry in ClinVar:

NM_001458.5(FLNC):c.-210G>A

Gene: FLNC (filamin C; plus strand). Cytogenetic location: 7q32.1.
Variant type: single nucleotide variant.
Coding change: c.-210G>A on transcript NM_001458.5 (MANE Select); 210 bases upstream of the start codon, G replaced by A.
Molecular consequence: 5 prime UTR variant.
Genome position (GRCh38, 1-based): chr7:128,830,428, G>A. VCF-style: chr7-128830428-G-A. GRCh37 (hg19) VCF-style: chr7-128470482-G-A.
Other names: c.-210G>A (NM_001127487.2).
Identifiers: ClinVar variation 680198 (VCV000680198.2), dbSNP rs2639138, ClinGen allele CA166206646.

ClinVar aggregate classification (germline): Benign. Review status: criteria provided, multiple submitters, no conflicts (2 of 4 stars). 2 submissions from 2 submitters: Benign (2). Last evaluated 2018-06-14.

Allele frequency attached by ClinVar (database versions not stated): TOPMed 0.99998; gnomAD 0.99999 and 1.00000; 1000 Genomes Project 1.00000; 1000 Genomes Project 30x 1.00000; gnomAD exomes 1.00000.
gnomAD v4.1: 594,324 of 594,326 alleles (100%); highest among the groups gnomAD compares: Middle Eastern, 100%; 297,161 homozygotes.

Submissions (2):

GeneDx
Classification: Benign. Last evaluated: 2018-06-14. Review status: criteria provided, single submitter. Criteria: GeneDx Variant Classification (06012015). Collection method: clinical testing. Allele origin: germline. Affected: yes.
Comment: This variant is considered likely benign or benign based on one or more of the following criteria: it is a conservative change, it occurs at a poorly conserved position in the protein, it is predicted to be benign by multiple in silico algorithms, and/or has population frequency not consistent with disease.

Breakthrough Genomics
Classification: Benign. Review status: criteria provided, single submitter. Criteria: ACMG Guidelines, 2015. Collection method: not provided. Allele origin: germline. Inheritance: Autosomal dominant inheritance. Affected: yes.